The following is an entry in ClinVar:

ClinVar aggregate classification (germline): Uncertain significance (1 of 4 stars; one submission).

Submission:

Labcorp Genetics (formerly Invitae), Labcorp
Classification: Uncertain significance. Last evaluated: 2024-01-10. Review status: criteria provided, single submitter. Criteria: Invitae Variant Classification Sherloc (09022015). Collection method: clinical testing. Allele origin: germline.
Comment: This sequence change replaces glutamic acid, which is acidic and polar, with aspartic acid, which is acidic and polar, at codon 1417 of the CLTC protein (p.Glu1417Asp). This variant is not present in population databases (gnomAD no frequency). This variant has not been reported in the literature in individuals affected with CLTC-related conditions. Experimental studies and prediction algorithms are not available or were not evaluated, and the functional significance of this variant is currently unknown. In summary, the available evidence is currently insufficient to determine the role of this variant in disease. Therefore, it has been classified as a Variant of Uncertain Significance.

NM_004859.4(CLTC):c.4239A>T (p.Glu1413Asp)

Genes: CLTC (clathrin heavy chain; plus strand), LOC126862609 (CDK7 strongly-dependent group 2 enhancer GRCh37_chr17:57760547-57761746; plus strand). Cytogenetic location: 17q23.1.
Variant type: single nucleotide variant.
Coding change: c.4239A>T on transcript NM_004859.4 (MANE Select); coding-DNA position 4239, A replaced by T.
Protein change: p.Glu1413Asp; replaces glutamic acid 1413 with aspartic acid.
Molecular consequence: missense variant.
Genome position (GRCh38, 1-based): chr17:59,683,672, A>T. VCF-style: chr17-59683672-A-T. GRCh37 (hg19) VCF-style: chr17-57761033-A-T.
Other names: c.4251A>T, p.Glu1417Asp (NM_001288653.2); short protein forms E1417D, E1413D.
Identifiers: ClinVar variation 2708668 (VCV002708668.3), dbSNP rs2509155057, ClinGen allele CA400421163.